The following is an entry in ClinVar:

NM_001011658.4(TRAPPC2):c.*2035C>T

Gene: TRAPPC2 (trafficking protein particle complex subunit 2; minus strand). Cytogenetic location: Xp22.2.
Variant type: single nucleotide variant.
Coding change: c.*2035C>T on transcript NM_001011658.4 (MANE Select); 2035 bases downstream of the stop codon, C replaced by T.
Molecular consequence: 3 prime UTR variant.
Genome position (GRCh38, 1-based): chrX:13,712,372, G>A on the plus strand (C>T on the coding strand, the complement: TRAPPC2 is on the minus strand). VCF-style: chrX-13712372-G-A. GRCh37 (hg19) VCF-style: chrX-13730491-G-A.
Other names: c.*2035C>T (NM_001128835.3, NM_014563.6).
Identifiers: ClinVar variation 367966 (VCV000367966.5), dbSNP rs41297317, ClinGen allele CA10654261.

ClinVar aggregate classification (germline): Benign (1 of 4 stars; one submission).

Conditions:
Spondyloepiphyseal dysplasia tarda (SEDT). Also called: SPONDYLOEPIPHYSEAL DYSPLASIA, LATE. Identifiers: Orphanet 93284, MedGen CN033239, MONDO:0019667.

Allele frequency attached by ClinVar (database versions not stated): 1000 Genomes Project 0.00053; 1000 Genomes Project 30x 0.00083; TOPMed 0.00096; gnomAD 0.00100 and 0.00102.

Submission:

Illumina Laboratory Services, Illumina
Classification: Benign for Spondyloepiphyseal dysplasia tarda, X-linked. Last evaluated: 2018-01-13. Review status: criteria provided, single submitter. Criteria: ICSL Variant Classification Criteria 13 December 2019. Collection method: clinical testing. Allele origin: germline.
Comment: This variant was observed in the ICSL laboratory as part of a predisposition screen in an ostensibly healthy population. It had not been previously curated by ICSL or reported in the Human Gene Mutation Database (HGMD: prior to June 1st, 2018), and was therefore a candidate for classification through an automated scoring system. Utilizing variant allele frequency, disease prevalence and penetrance estimates, and inheritance mode, an automated score was calculated to assess if this variant is too frequent to cause the disease. Based on the score and internal cut-off values, a variant classified as benign is not then subjected to further curation. The score for this variant resulted in a classification of benign for this disease.